The following is an entry in ClinVar:

NM_000504.4(F10):c.257-1G>C

Gene: F10 (coagulation factor X; plus strand). Cytogenetic location: 13q34.
Variant type: single nucleotide variant.
Coding change: c.257-1G>C on transcript NM_000504.4 (MANE Select); the canonical splice acceptor site of the intron before coding-DNA position 257, G replaced by C.
Molecular consequence: splice acceptor variant.
Genome position (GRCh38, 1-based): chr13:113,139,356, G>C. VCF-style: chr13-113139356-G-C. GRCh37 (hg19) VCF-style: chr13-113793670-G-C.
Other names: c.257-1G>C (NM_001312675.2, NM_001312674.2).
Identifiers: ClinVar variation 1067302 (VCV001067302.7), dbSNP rs765649682, ClinGen allele CA7060427.

ClinVar aggregate classification (germline): Likely pathogenic (1 of 4 stars; one submission).

Allele frequency attached by ClinVar (database versions not stated): ExAC 0.00001; gnomAD exomes 0.00001.
gnomAD v4.1: 2 of 1,613,746 alleles (0.00012%); highest among the groups gnomAD compares: Non-Finnish European, 0.00017%; no homozygotes.

Submission:

Labcorp Genetics (formerly Invitae), Labcorp
Classification: Likely pathogenic. Last evaluated: 2017-11-16. Review status: criteria provided, single submitter. Criteria: Invitae Variant Classification Sherloc (09022015). Collection method: clinical testing. Allele origin: germline.
Comment: In summary, the currently available evidence indicates that the variant is pathogenic, but additional data are needed to prove that conclusively. Therefore, this variant has been classified as Likely Pathogenic. Donor and acceptor splice site variants typically lead to a loss of protein function (PMID: 16199547), and loss-of-function variants in F10 are known to be pathogenic (PMID: 10746568, 22008904). Algorithms developed to predict the effect of sequence changes on RNA splicing suggest that this variant may disrupt the consensus splice site, but this prediction has not been confirmed by published transcriptional studies. This variant has not been reported in the literature in individuals with F10-related disease. This variant is present in population databases (rs765649682, ExAC 0.002%). This sequence change affects an acceptor splice site in intron 3 of the F10 gene. It is expected to disrupt RNA splicing and likely results in an absent or disrupted protein product.

Literature cited by the submitters: PubMed 16199547; PubMed 10746568; PubMed 22008904.